The following is an entry in ClinVar:

NM_001113378.2(FANCI):c.2457-8C>G

Gene: FANCI (FA complementation group I; plus strand). Cytogenetic location: 15q26.1.
Variant type: single nucleotide variant.
Coding change: c.2457-8C>G on transcript NM_001113378.2 (MANE Select); 8 bases into the intron before coding-DNA position 2457, C replaced by G.
Molecular consequence: intron variant.
Genome position (GRCh38, 1-based): chr15:89,294,907, C>G. VCF-style: chr15-89294907-C-G. GRCh37 (hg19) VCF-style: chr15-89838138-C-G.
Other names: c.2456+910C>G (NM_018193.3); c.2457-8C>G (NM_001376911.1); c.2178-8C>G (NM_001376910.1).
Identifiers: ClinVar variation 1337916 (VCV001337916.11), dbSNP rs2151754256, ClinGen allele CA2573054116.

ClinVar aggregate classification (germline): Conflicting classifications of pathogenicity. Review status: criteria provided, conflicting classifications (1 of 4 stars). 2 submissions from 2 submitters: Uncertain significance (1); Likely benign (1). Last evaluated 2025-06-03.

Conditions:
Fanconi anemia (FA). Also called: Fanconi's anemia. Identifiers: Orphanet 84, MedGen C0015625, MeSH D005199, MONDO:0019391.

gnomAD v4.1: 5 of 1,550,598 alleles (0.00032%); highest among the groups gnomAD compares: South Asian, 0.0012%; no homozygotes.

Submissions (2):

Labcorp Genetics (formerly Invitae), Labcorp
Classification: Likely benign for Fanconi anemia. Last evaluated: 2025-06-03. Review status: criteria provided, single submitter. Criteria: Invitae Variant Classification Sherloc (09022015). Collection method: clinical testing. Allele origin: germline.

Genetic Services Laboratory, University of Chicago
Classification: Uncertain significance. Last evaluated: 2021-05-04. Review status: criteria provided, single submitter. Criteria: ACMG Guidelines, 2015. Collection method: clinical testing. Allele origin: germline. Affected: no.
Comment: DNA sequence analysis of the FANCI gene demonstrated a sequence change in intron 23, c.2457-8C>G. This change does not appear to have been previously described in patients with FANCI-related disorders. This sequence change is absent in the gnomAD population database. This sequence change is not clearly predicted to have a deleterious effect on splicing based on in silico splice prediction programs. It is possible that this sequence change represents a benign sequence change in the FANCI gene that has not been identified to date. The functional significance of this sequence change is not known at present and its contribution to this patient's disease phenotype cannot definitively be determined.